The following is an entry in ClinVar:

ClinVar aggregate classification (germline): Benign/Likely benign. Review status: criteria provided, multiple submitters, no conflicts (2 of 4 stars). 8 submissions from 8 submitters: Benign (3); Likely benign (4). 1 of the submissions does not count toward it. Last evaluated 2026-06-01.

Conditions:
RTEL1-related disorder. Also called: RTEL1-related condition; RTEL1-related disorders.
Dyskeratosis congenita, autosomal recessive 5 (DKCB5). Identifiers: MedGen C3554656, MONDO:0014076, OMIM 615190.
Pulmonary fibrosis and/or bone marrow failure, Telomere-related, 3. Also called: PULMONARY FIBROSIS AND/OR BONE MARROW FAILURE SYNDROME, TELOMERE-RELATED, 3. Identifiers: Orphanet 2032, MedGen C4225346, MONDO:0014613, OMIM 616373.

Submissions (8):

CeGaT Center for Human Genetics Tuebingen
Classification: Likely benign. Last evaluated: 2026-06-01. Review status: criteria provided, single submitter. Criteria: CeGaT Center For Human Genetics Tuebingen Variant Classification Criteria Version 2. Collection method: clinical testing. Allele origin: germline. Affected: yes. Observed: 19 variant alleles.
Comment: RTEL1: PM4:Supporting, BS2

Labcorp Genetics (formerly Invitae), Labcorp
Classification: Benign for Dyskeratosis congenita, autosomal recessive 5; Pulmonary fibrosis and/or bone marrow failure, Telomere-related, 3. Last evaluated: 2026-02-02. Review status: criteria provided, single submitter. Criteria: Invitae Variant Classification Sherloc (09022015). Collection method: clinical testing. Allele origin: germline.

Blueprint Genetics
Classification: Likely benign. Last evaluated: 2024-11-28. Review status: criteria provided, single submitter. Criteria: ACMG Guidelines, 2015. Collection method: clinical testing. Allele origin: germline.

ARUP Laboratories, Molecular Genetics and Genomics, ARUP Laboratories
Classification: Likely benign. Last evaluated: 2024-09-05. Review status: criteria provided, single submitter. Criteria: ARUP Molecular Germline Variant Investigation Process 2024. Collection method: clinical testing. Allele origin: germline.

Mayo Clinic Laboratories, Mayo Clinic
Classification: Benign. Last evaluated: 2020-07-29. Review status: criteria provided, single submitter. Criteria: ACMG Guidelines, 2015. Collection method: clinical testing. Allele origin: germline. Observed: 6 variant alleles.

GeneDx
Classification: Benign. Last evaluated: 2019-07-05. Review status: criteria provided, single submitter. Criteria: GeneDx Variant Classification Process June 2021. Collection method: clinical testing. Allele origin: germline. Affected: yes.

Genetic Services Laboratory, University of Chicago
Classification: Likely benign. Last evaluated: 2015-08-28. Review status: criteria provided, single submitter. Criteria: ACMG Guidelines, 2015. Collection method: clinical testing. Allele origin: germline. Affected: no.

PreventionGenetics, part of Exact Sciences
Classification: Benign for RTEL1-related condition. Last evaluated: 2024-06-16. Review status: no assertion criteria provided. Collection method: clinical testing. Allele origin: germline. Not counted in ClinVar's aggregate classification.
Comment: This variant is classified as benign based on ACMG/AMP sequence variant interpretation guidelines (Richards et al. 2015 PMID: 25741868, with internal and published modifications).

NM_001283009.2(RTEL1):c.2310AGA[1] (p.Glu771del)

Genes: RTEL1 (regulator of telomere elongation helicase 1; plus strand), RTEL1-TNFRSF6B (RTEL1-TNFRSF6B readthrough (NMD candidate); plus strand). Cytogenetic location: 20q13.33.
Variant type: Microsatellite.
Coding change: c.2310AGA[1] on transcript NM_001283009.2 (MANE Select); one copy of the 3-base unit AGA starting at c.2310; the reference has two copies in a row; one copy, 3 bases deleted; also written c.2313_2315del.
Protein change: p.Glu771del; deletes glutamic acid 771.
Molecular consequence: inframe deletion. On other transcripts: non-coding transcript variant (1).
Genome position (GRCh38, 1-based): chr20:63,690,341-63,690,343, AGA deleted; deleting any 3 consecutive bases within chr20:63,690,338-63,690,343 gives the same sequence; the position shown is the placement nearest the transcript's 3' end. VCF-style (leftmost placement, unchanged base first): chr20-63690337-GAGA-G. GRCh37 (hg19) VCF-style: chr20-62321690-GAGA-G.
Other names: p.Glu795del; c.1641AGA[1], p.Glu548del (NM_001283010.1); c.2385_2387delAGA (NM_032957.4); c.2313_2315del (NM_001283009.1); c.2310AGA[1], p.Glu771del (NM_016434.4); c.2382AGA[1], p.Glu795del (NM_032957.5); c.2385_2387del (NM_032957.5); short protein forms E771del, E795del, E548del.
Identifiers: ClinVar variation 436568 (VCV000436568.45), dbSNP rs558133631, ClinGen allele CA9965281.
Genomic context (GRCh38, chr20:63,690,337, plus strand): 5'-CCCCCATGGTTCTGCAGATGCCAGCGCCGGCCCCCCGGGCTACAGCACCCAGTGTGCGTG[GAGA>G]AGATGCTGTCAGCGAGGCCAAGTCGCCTGGCCCCTTCTTCTCCACCAGGAAAGCTAAGAG-3'